The following is an entry in ClinVar:

ClinVar aggregate classification (germline): Uncertain significance (1 of 4 stars; one submission).

Submission:

Women's Health and Genetics/Laboratory Corporation of America, LabCorp
Classification: Uncertain significance. Last evaluated: 2025-07-09. Review status: criteria provided, single submitter. Criteria: LabCorp Variant Classification Summary - May 2015. Collection method: clinical testing. Allele origin: germline.
Comment: Variant summary: ZNF711 c.1207A>G (p.Lys403Glu) results in a conservative amino acid change in the encoded protein sequence. Algorithms developed to predict the effect of missense changes on protein structure and function are either unavailable or do not agree on the potential impact of this missense change. The variant was absent in 171685 control chromosomes (gnomAD). The available data on variant occurrences in the general population are insufficient to allow any conclusion about variant significance. To our knowledge, no occurrence of c.1207A>G in individuals affected with X-Linked Intellectual Disability 97 and no experimental evidence demonstrating its impact on protein function have been reported. No submitters have cited clinical-significance assessments for this variant to ClinVar. Based on the evidence outlined above, the variant was classified as uncertain significance.

NM_001330574.2(ZNF711):c.1345A>G (p.Lys449Glu)

Gene: ZNF711 (zinc finger protein 711; plus strand). Cytogenetic location: Xq21.1.
Variant type: single nucleotide variant.
Coding change: c.1345A>G on transcript NM_001330574.2 (MANE Select); coding-DNA position 1345, A replaced by G.
Protein change: p.Lys449Glu; replaces lysine 449 with glutamic acid.
Molecular consequence: missense variant.
Genome position (GRCh38, 1-based): chrX:85,270,749, A>G. VCF-style: chrX-85270749-A-G. GRCh37 (hg19) VCF-style: chrX-84525755-A-G.
Other names: c.1345A>G, p.Lys449Glu (NM_001375431.1, NM_001375432.1, NM_001375433.1); c.1207A>G, p.Lys403Glu (NM_001375434.1, NM_001375435.1, NM_001375436.1 and 2 more transcripts); short protein forms K403E, K449E.
Identifiers: ClinVar variation 4526040 (VCV004526040.1).